The following is an entry in ClinVar:

ClinVar aggregate classification (germline): Uncertain significance. Review status: criteria provided, multiple submitters, no conflicts (2 of 4 stars). 2 submissions from 2 submitters: Uncertain significance (2). Last evaluated 2024-03-06.

Conditions:
Fanconi anemia complementation group O. Also called: RAD51C-Related Fanconi Anemia. Identifiers: Orphanet 84, MedGen C3150653, MONDO:0013248, OMIM 613390.
Hereditary cancer-predisposing syndrome. Also called: Tumor predisposition; Hereditary neoplastic syndrome; Neoplastic Syndromes, Hereditary; Hereditary Cancer Syndrome. Identifiers: Orphanet 140162, MedGen C0027672, MeSH D009386, MONDO:0015356.

gnomAD v4.1: 1 of 1,612,134 alleles (0.000062%); highest among the groups gnomAD compares: Non-Finnish European, 0.000085%; no homozygotes.

Submissions (2):

Color Diagnostics, LLC DBA Color Health
Classification: Uncertain significance for Hereditary cancer-predisposing syndrome. Last evaluated: 2024-03-06. Review status: criteria provided, single submitter. Criteria: ACMG Guidelines, 2015. Collection method: clinical testing. Allele origin: germline.
Comment: This missense variant replaces aspartic acid with glycine at codon 228 of the RAD51C protein. Computational prediction suggests that this variant may not impact protein structure and function (internally defined REVEL score threshold <= 0.5, PMID: 27666373). Splice site prediction tools suggest that this variant may not impact RNA splicing. To our knowledge, functional studies have not been performed for this variant. This variant has not been reported in individuals affected with hereditary cancer in the literature. This variant has not been identified in the general population by the Genome Aggregation Database (gnomAD). The available evidence is insufficient to determine the role of this variant in disease conclusively. Therefore, this variant is classified as a Variant of Uncertain Significance.

Labcorp Genetics (formerly Invitae), Labcorp
Classification: Uncertain significance for Fanconi anemia complementation group O. Last evaluated: 2021-10-13. Review status: criteria provided, single submitter. Criteria: Invitae Variant Classification Sherloc (09022015). Collection method: clinical testing. Allele origin: germline.
Comment: In summary, the available evidence is currently insufficient to determine the role of this variant in disease. Therefore, it has been classified as a Variant of Uncertain Significance. This sequence change replaces aspartic acid with glycine at codon 228 of the RAD51C protein (p.Asp228Gly). The aspartic acid residue is moderately conserved and there is a moderate physicochemical difference between aspartic acid and glycine. This variant is not present in population databases (ExAC no frequency). This variant has not been reported in the literature in individuals affected with RAD51C-related conditions. ClinVar contains an entry for this variant (Variation ID: 927790). Algorithms developed to predict the effect of missense changes on protein structure and function (SIFT, PolyPhen-2, Align-GVGD) all suggest that this variant is likely to be tolerated.

NM_058216.3(RAD51C):c.683A>G (p.Asp228Gly)

Genes: RAD51C (RAD51 paralog C; plus strand), LOC129390903 (MPRA-validated peak2919 silencer; plus strand). Cytogenetic location: 17q22.
Variant type: single nucleotide variant.
Coding change: c.683A>G on transcript NM_058216.3 (MANE Select); coding-DNA position 683, A replaced by G.
Protein change: p.Asp228Gly; replaces aspartic acid 228 with glycine.
Molecular consequence: missense variant. On other transcripts: non-coding transcript variant (1).
Genome position (GRCh38, 1-based): chr17:58,703,307, A>G. VCF-style: chr17-58703307-A-G. GRCh37 (hg19) VCF-style: chr17-56780668-A-G.
Other names: short protein forms D228G.
Identifiers: ClinVar variation 927790 (VCV000927790.10), dbSNP rs2048274960, ClinGen allele CA400350001.